The following is an entry in ClinVar:

ClinVar aggregate classification (germline): Likely benign. Review status: criteria provided, multiple submitters, no conflicts (2 of 4 stars). 2 submissions from 2 submitters: Likely benign (2). Last evaluated 2026-06-01.

Conditions:
Inborn genetic diseases. Identifiers: MedGen C0950123, MeSH D030342.

Allele frequency attached by ClinVar (database versions not stated): gnomAD exomes 0.00036; ExAC 0.00078; 1000 Genomes Project 0.00140; 1000 Genomes Project 30x 0.00141; gnomAD 0.00148; TOPMed 0.00188; ESP Exome Variant Server 0.00239.
gnomAD v4.1: 808 of 1,614,038 alleles (0.05%); highest among the groups gnomAD compares: African/African-American, 0.35%; no homozygotes.

Submissions (2):

CeGaT Center for Human Genetics Tuebingen
Classification: Likely benign. Last evaluated: 2026-06-01. Review status: criteria provided, single submitter. Criteria: CeGaT Center For Human Genetics Tuebingen Variant Classification Criteria Version 2. Collection method: clinical testing. Allele origin: germline. Affected: yes. Observed: 1 variant allele.
Comment: MAST3: BP4, BS1

Ambry Genetics
Classification: Likely benign for Inborn genetic diseases. Last evaluated: 2022-08-11. Review status: criteria provided, single submitter. Criteria: Ambry Variant Classification Scheme 2023. Collection method: clinical testing. Allele origin: germline.

NM_001393504.1(MAST3):c.1789G>A (p.Val597Ile)

Gene: MAST3 (microtubule associated serine/threonine kinase 3; plus strand). Cytogenetic location: 19p13.11.
Variant type: single nucleotide variant.
Coding change: c.1789G>A on transcript NM_001393504.1 (MANE Select); coding-DNA position 1789, G replaced by A.
Protein change: p.Val597Ile; replaces valine 597 with isoleucine.
Molecular consequence: missense variant.
Genome position (GRCh38, 1-based): chr19:18,134,901, G>A. VCF-style: chr19-18134901-G-A. GRCh37 (hg19) VCF-style: chr19-18245711-G-A.
Other names: c.1813G>A, p.Val605Ile (NM_001393501.1); c.1792G>A, p.Val598Ile (NM_001393502.1); c.1789G>A, p.Val597Ile (NM_001393503.1); c.1786G>A, p.Val596Ile (NM_001393505.1); c.1741G>A, p.Val581Ile (NM_001393506.1, NM_001393513.1); c.1768G>A, p.Val590Ile (NM_001393507.1); c.1723G>A, p.Val575Ile (NM_001393508.1, NM_001393516.1); c.1720G>A, p.Val574Ile (NM_001393509.1, NM_001393510.1, NM_001393512.1 and 2 more transcripts); and 4 more; short protein forms V575I, V605I, V568I, V581I, V574I, V559I, V567I, V573I.
Identifiers: ClinVar variation 2270551 (VCV002270551.4), dbSNP rs188187756, ClinGen allele CA9305979.